The following is an entry in ClinVar:

ClinVar aggregate classification (germline): Uncertain significance (1 of 4 stars; one submission).

Conditions:
Kleefstra syndrome 1 (KLEFS1). Identifiers: Orphanet 261494, MedGen C0795833, MONDO:0027407, OMIM 610253.

Submission:

Labcorp Genetics (formerly Invitae), Labcorp
Classification: Uncertain significance for Kleefstra syndrome 1. Last evaluated: 2025-04-11. Review status: criteria provided, single submitter. Criteria: Invitae Variant Classification Sherloc (09022015). Collection method: clinical testing. Allele origin: germline.
Comment: This sequence change replaces glycine, which is neutral and non-polar, with aspartic acid, which is acidic and polar, at codon 411 of the EHMT1 protein (p.Gly411Asp). This variant is not present in population databases (gnomAD no frequency). This variant has not been reported in the literature in individuals affected with EHMT1-related conditions. Invitae Evidence Modeling of protein sequence and biophysical properties (such as structural, functional, and spatial information, amino acid conservation, physicochemical variation, residue mobility, and thermodynamic stability) indicates that this missense variant is not expected to disrupt EHMT1 protein function with a negative predictive value of 80%. In summary, the available evidence is currently insufficient to determine the role of this variant in disease. Therefore, it has been classified as a Variant of Uncertain Significance.

NM_024757.5(EHMT1):c.1232G>A (p.Gly411Asp)

Gene: EHMT1 (euchromatic histone lysine methyltransferase 1; plus strand). Cytogenetic location: 9q34.3.
Variant type: single nucleotide variant.
Coding change: c.1232G>A on transcript NM_024757.5 (MANE Select); coding-DNA position 1232, G replaced by A.
Protein change: p.Gly411Asp; replaces glycine 411 with aspartic acid.
Molecular consequence: missense variant.
Genome position (GRCh38, 1-based): chr9:137,752,392, G>A. VCF-style: chr9-137752392-G-A. GRCh37 (hg19) VCF-style: chr9-140646844-G-A.
Other names: c.1232G>A, p.Gly411Asp (NM_001145527.2, NM_001354611.2); c.1139G>A, p.Gly380Asp (NM_001354259.2, NM_001354612.2); c.1211G>A, p.Gly404Asp (NM_001354263.2); short protein forms G404D, G411D, G380D.
Identifiers: ClinVar variation 4741964 (VCV004741964.1).